The following is an entry in ClinVar:

NM_001020658.2(PUM1):c.251T>A (p.Phe84Tyr)

Gene: PUM1 (pumilio RNA binding family member 1; minus strand). Cytogenetic location: 1p35.2.
Variant type: single nucleotide variant.
Coding change: c.251T>A on transcript NM_001020658.2 (MANE Select); coding-DNA position 251, T replaced by A.
Protein change: p.Phe84Tyr; replaces phenylalanine 84 with tyrosine.
Molecular consequence: missense variant.
Genome position (GRCh38, 1-based): chr1:31,059,316, A>T on the plus strand (T>A on the coding strand, the complement: PUM1 is on the minus strand). VCF-style: chr1-31059316-A-T. GRCh37 (hg19) VCF-style: chr1-31532163-A-T.
Other names: c.251T>A, p.Phe84Tyr (NM_014676.3); short protein forms F84Y.
Identifiers: ClinVar variation 1804428 (VCV001804428.1), dbSNP rs1424899378, ClinGen allele CA339572513.
Genomic context (GRCh38, chr1:31,059,316, plus strand): 5'-TTATAGCCGCCTCCTCCACTTCCTCCTCCCCCAAGCTGCTCACCATGCTGCCTCTGAAAG[A>T]AGTAGTCCACCATAGCGTCGTCCTGGGAACGGCCTGCAACTCCTATAGATCCTGGGACAG-3'
Protein context (NP_001018494.1, residues 74-94): RSQDDAMVDY[Phe84Tyr]FQRQHGEQLG

ClinVar aggregate classification (germline): Uncertain significance (1 of 4 stars; one submission).

Allele frequency attached by ClinVar (database versions not stated): gnomAD exomes below 0.00001; TOPMed below 0.00001.
gnomAD v4.1: 2 of 1,614,120 alleles (0.00012%); highest among the groups gnomAD compares: Admixed American, 0.0017%; no homozygotes.

Submission:

GeneDx
Classification: Uncertain significance. Last evaluated: 2022-12-19. Review status: criteria provided, single submitter. Criteria: GeneDx Variant Classification Process June 2021. Collection method: clinical testing. Allele origin: germline. Affected: yes.
Comment: Not observed at a significant frequency in large population cohorts (gnomAD); In silico analysis supports that this missense variant has a deleterious effect on protein structure/function; Has not been previously published as pathogenic or benign to our knowledge